The following is an entry in ClinVar:

NM_004260.4(RECQL4):c.1726_1731dup (p.Val576_Leu577dup)

Gene: RECQL4 (RecQ like helicase 4; minus strand). Cytogenetic location: 8q24.3.
Variant type: Duplication.
Coding change: c.1726_1731dup on transcript NM_004260.4 (MANE Select); coding-DNA positions 1726 to 1731, 6 bases duplicated (GTGCTG; older notation c.1726_1731dupGTGCTG).
Protein change: p.Val576_Leu577dup.
Molecular consequence: inframe insertion.
Genome position (GRCh38, 1-based): chr8:144,514,336-144,514,341, CAGCAC duplicated on the plus strand (GTGCTG on the coding strand, the reverse complement: RECQL4 is on the minus strand). VCF-style (leftmost placement, unchanged base first): chr8-144514335-T-TCAGCAC. GRCh37 (hg19) VCF-style: chr8-145739719-T-TCAGCAC.
Identifiers: ClinVar variation 1472350 (VCV001472350.6), dbSNP rs1354602225, ClinGen allele CA586165490.

ClinVar aggregate classification (germline): Uncertain significance (1 of 4 stars; one submission).

Conditions:
Baller-Gerold syndrome (BGS). Also called: CRANIOSYNOSTOSIS WITH RADIAL DEFECTS. Identifiers: Orphanet 1225, MedGen C0265308, MONDO:0009039, OMIM 218600.

Allele frequency attached by ClinVar (database versions not stated): gnomAD exomes below 0.00001.

Submission:

Labcorp Genetics (formerly Invitae), Labcorp
Classification: Uncertain significance for Baller-Gerold syndrome. Last evaluated: 2021-06-08. Review status: criteria provided, single submitter. Criteria: Invitae Variant Classification Sherloc (09022015). Collection method: clinical testing. Allele origin: germline.
Comment: Experimental studies and prediction algorithms are not available or were not evaluated, and the functional significance of this variant is currently unknown. This variant has not been reported in the literature in individuals with RECQL4-related conditions. This variant is not present in population databases (ExAC no frequency). This variant, c.1726_1731dup, results in the insertion of 2 amino acid(s) to the RECQL4 protein (p.Val576_Leu577dup), but otherwise preserves the integrity of the reading frame. In summary, the available evidence is currently insufficient to determine the role of this variant in disease. Therefore, it has been classified as a Variant of Uncertain Significance.